The following is an entry in ClinVar:

NM_000038.6(APC):c.3111C>A (p.Asn1037Lys)

Gene: APC (APC regulator of Wnt signaling pathway; plus strand). Cytogenetic location: 5q22.2.
Variant type: single nucleotide variant.
Coding change: c.3111C>A on transcript NM_000038.6 (MANE Select); coding-DNA position 3111, C replaced by A.
Protein change: p.Asn1037Lys; replaces asparagine 1037 with lysine.
Molecular consequence: missense variant.
Genome position (GRCh38, 1-based): chr5:112,838,705, C>A. VCF-style: chr5-112838705-C-A. GRCh37 (hg19) VCF-style: chr5-112174402-C-A.
Other names: c.3111C>A, p.Asn1037Lys (NM_001127510.3, NM_001354895.2); c.3057C>A, p.Asn1019Lys (NM_001127511.3); c.3165C>A, p.Asn1055Lys (NM_001354896.2); c.3141C>A, p.Asn1047Lys (NM_001354897.2); c.3036C>A, p.Asn1012Lys (NM_001354898.2); c.3027C>A, p.Asn1009Lys (NM_001354899.2); c.2988C>A, p.Asn996Lys (NM_001354900.2); c.2934C>A, p.Asn978Lys (NM_001354901.2); and 5 more; short protein forms N1019K, N911K, N1047K, N936K, N978K, N1012K, N1037K, N754K.
Identifiers: ClinVar variation 822912 (VCV000822912.5), dbSNP rs1580631002, ClinGen allele CA16028150.

ClinVar aggregate classification (germline): Uncertain significance (1 of 4 stars; one submission).

Conditions:
Hereditary cancer-predisposing syndrome. Also called: Tumor predisposition; Hereditary Cancer Syndrome; Neoplastic Syndromes, Hereditary; Hereditary neoplastic syndrome. Identifiers: Orphanet 140162, MedGen C0027672, MeSH D009386, MONDO:0015356.

Submission:

Ambry Genetics
Classification: Uncertain significance for Hereditary cancer-predisposing syndrome. Last evaluated: 2023-07-27. Review status: criteria provided, single submitter. Criteria: Ambry Variant Classification Scheme 2023. Collection method: clinical testing. Allele origin: germline.
Comment: The p.N1037K variant (also known as c.3111C>A), located in coding exon 15 of the APC gene, results from a C to A substitution at nucleotide position 3111. The asparagine at codon 1037 is replaced by lysine, an amino acid with similar properties. This amino acid position is highly conserved in available vertebrate species. In addition, in silico predictors for this gene do not accurately predict pathogenicity. Since supporting evidence is limited at this time, the clinical significance of this alteration remains unclear.